The following is an entry in ClinVar:

NM_080425.4(GNAS):c.1267G>C (p.Gly423Arg)

Gene: GNAS (GNAS complex locus; plus strand). Cytogenetic location: 20q13.32.
Variant type: single nucleotide variant.
Coding change: c.1267G>C on transcript NM_080425.4 (MANE Plus Clinical); coding-DNA position 1267, G replaced by C.
Protein change: p.Gly423Arg; replaces glycine 423 with arginine.
Molecular consequence: missense variant. On other transcripts: synonymous variant (2), intron variant (3).
Genome position (GRCh38, 1-based): chr20:58,854,532, G>C. VCF-style: chr20-58854532-G-C. GRCh37 (hg19) VCF-style: chr20-57429587-G-C.
Other names: c.1080G>C, p.Pro360= (NM_001077490.3, NM_001309883.1); c.1267G>C, p.Gly423Arg (NM_001410913.1); c.*42+13646G>C (NM_016592.5); c.43+13646G>C (NM_001410912.1); c.-39+12657G>C (NM_001309861.2); short protein forms G423R.
Identifiers: ClinVar variation 1706780 (VCV001706780.20), dbSNP rs773948481, ClinGen allele CA9926659.

ClinVar aggregate classification (germline): Conflicting classifications of pathogenicity. Review status: criteria provided, conflicting classifications (1 of 4 stars). 4 submissions from 4 submitters: Uncertain significance (3); Likely benign (1). Last evaluated 2025-01-01.

Conditions:
GNAS-related disorder. Identifiers: MedGen CN380105.
Inborn genetic diseases. Identifiers: MedGen C0950123, MeSH D030342.

gnomAD v4.1: 292 of 1,574,964 alleles (0.019%); highest among the groups gnomAD compares: Non-Finnish European, 0.024%; no homozygotes.

Submissions (4):

CeGaT Center for Human Genetics Tuebingen
Classification: Uncertain significance. Last evaluated: 2025-01-01. Review status: criteria provided, single submitter. Criteria: CeGaT Center For Human Genetics Tuebingen Variant Classification Criteria Version 2. Collection method: clinical testing. Allele origin: germline. Affected: yes. Observed: 1 variant allele.

PreventionGenetics, part of Exact Sciences
Classification: Likely benign for GNAS-related condition. Last evaluated: 2024-11-14. Review status: criteria provided, single submitter. Criteria: ACMG Guidelines, 2015. Collection method: clinical testing. Allele origin: germline.
Comment: This variant is classified as likely benign based on ACMG/AMP sequence variant interpretation guidelines (Richards et al. 2015 PMID: 25741868, with internal and published modifications).

GeneDx
Classification: Uncertain significance. Last evaluated: 2022-03-24. Review status: criteria provided, single submitter. Criteria: GeneDx Variant Classification Process June 2021. Collection method: clinical testing. Allele origin: germline. Affected: yes.
Comment: Has not been previously published as pathogenic or benign to our knowledge; In silico analysis supports that this missense variant does not alter protein structure/function; Reported using an alternate transcript of the gene

Ambry Genetics
Classification: Uncertain significance for Inborn genetic diseases. Last evaluated: 2021-04-20. Review status: criteria provided, single submitter. Criteria: Ambry Variant Classification Scheme 2023. Collection method: clinical testing. Allele origin: germline.
Comment: The c.1267G>C (p.G423R) alteration is located in exon 1 (coding exon 1) of the GNAS gene. This alteration results from a G to C substitution at nucleotide position 1267, causing the glycine (G) at amino acid position 423 to be replaced by an arginine (R). The p.G423R alteration is predicted to be tolerated by in silico analysis. Based on insufficient or conflicting evidence, the clinical significance of this alteration remains unclear.